The following is an entry in ClinVar:

NM_033641.4(COL4A6):c.4018C>A (p.Pro1340Thr)

Gene: COL4A6 (collagen type IV alpha 6 chain; minus strand). Cytogenetic location: Xq22.3.
Variant type: single nucleotide variant.
Coding change: c.4018C>A on transcript NM_033641.4 (MANE Select); coding-DNA position 4018, C replaced by A.
Protein change: p.Pro1340Thr; replaces proline 1340 with threonine.
Molecular consequence: missense variant. On other transcripts: intron variant (1).
Genome position (GRCh38, 1-based): chrX:108,164,651, G>T on the plus strand (C>A on the coding strand, the complement: COL4A6 is on the minus strand). VCF-style: chrX-108164651-G-T. GRCh37 (hg19) VCF-style: chrX-107407881-G-T.
Other names: c.4069C>A, p.Pro1357Thr (NM_001287758.2); c.3946C>A, p.Pro1316Thr (NM_001287759.2); c.4021C>A, p.Pro1341Thr (NM_001847.4); c.3898+226C>A (NM_001287760.2); short protein forms P1316T, P1340T, P1341T, P1357T.
Identifiers: ClinVar variation 4845495 (VCV004845495.1).
Genomic context (GRCh38, chrX:108,164,651, plus strand): 5'-TCAACTTACCTCTTGGCCCTGCCTTCCCCTTCATTCCGGGAAATCCTGGGTCTCCAGGTG[G>T]CCCAACCTTGCCTGGAGTCCCCATGAAGCCAGGCTCACCTCTCATGCCTGACAAAGCCCA-3'
Protein context (NP_378667.1, residues 1330-1350): GFMGTPGKVG[Pro1340Thr]PGDPGFPGMK

ClinVar aggregate classification (germline): Uncertain significance (1 of 4 stars; one submission).

Submission:

Greenwood Genetic Center Diagnostic Laboratories, Greenwood Genetic Center
Classification: Uncertain significance. Last evaluated: 2025-11-26. Review status: criteria provided, single submitter. Criteria: ACMG Guidelines, 2015. Collection method: clinical testing. Allele origin: germline. Affected: yes.
Comment: Gene of Uncertain Significance